The following is an entry in ClinVar:

ClinVar aggregate classification (germline): Pathogenic (1 of 4 stars; one submission).

Submission:

GeneDx
Classification: Pathogenic. Last evaluated: 2018-06-13. Review status: criteria provided, single submitter. Criteria: GeneDx Variant Classification (06012015). Collection method: clinical testing. Allele origin: germline. Affected: yes.
Comment: The c.2269_2281del13 variant in the SETBP1 gene has not been reported previously as a pathogenic variant nor as a benign variant, to our knowledge. The c.2269_2281del13 variant causes a frameshift starting with codon Aspartic acid 757, changes this amino acid to a Cysteine residue, and creates a premature Stop codon at position 23 of the new reading frame, denoted p.Asp757CysfsX23. This variant is predicted to cause loss of normal protein function either through protein truncation or nonsense-mediated mRNA decay. The c.2269_2281del13 variant is not observed in large population cohorts (Lek et al., 2016). We interpret c.2269_2281del13 as a pathogenic variant.

NM_015559.3(SETBP1):c.2269_2281del (p.Asp757fs)

Gene: SETBP1 (SET binding protein 1; plus strand). Cytogenetic location: 18q12.3.
Variant type: Deletion.
Coding change: c.2269_2281del on transcript NM_015559.3 (MANE Select); coding-DNA positions 2269 to 2281, 13 bases deleted (GATGTTCCAGCCG).
Protein change: p.Asp757fs; shifts the reading frame from aspartic acid 757.
Molecular consequence: frameshift variant.
Genome position (GRCh38, 1-based): chr18:44,951,609-44,951,621, GATGTTCCAGCCG deleted; deleting any 13 consecutive bases within chr18:44,951,602-44,951,621 gives the same sequence; the c. name uses the placement nearest the transcript's 3' end. VCF-style (leftmost placement, unchanged base first): chr18-44951601-GCCAGCCGGATGTT-G. GRCh37 (hg19) VCF-style: chr18-42531566-GCCAGCCGGATGTT-G.
Other names: short protein forms D757fs.
Identifiers: ClinVar variation 817094 (VCV000817094.1), dbSNP rs1599368029, ClinGen allele CA915952479.